The following is an entry in ClinVar:

NM_003921.5(BCL10):c.58G>A (p.Ala20Thr)

Gene: BCL10 (BCL10 immune signaling adaptor; minus strand). Cytogenetic location: 1p22.3.
Variant type: single nucleotide variant.
Coding change: c.58G>A on transcript NM_003921.5 (MANE Select); coding-DNA position 58, G replaced by A.
Protein change: p.Ala20Thr; replaces alanine 20 with threonine.
Molecular consequence: missense variant.
Genome position (GRCh38, 1-based): chr1:85,270,906, C>T on the plus strand (G>A on the coding strand, the complement: BCL10 is on the minus strand). VCF-style: chr1-85270906-C-T. GRCh37 (hg19) VCF-style: chr1-85736589-C-T.
Other names: c.58G>A, p.Ala20Thr (NM_001320715.2); short protein forms A20T.
Identifiers: ClinVar variation 1009636 (VCV001009636.8), dbSNP rs1660354259, ClinGen allele CA340952143.

ClinVar aggregate classification (germline): Uncertain significance (1 of 4 stars; one submission).

Conditions:
Immunodeficiency 37 (IMD37). Identifiers: MedGen C4015195, MONDO:0014491, OMIM 616098.

Allele frequency attached by ClinVar (database versions not stated): gnomAD 0.00001.
gnomAD v4.1: 1 of 1,598,508 alleles (0.000063%); no homozygotes.

Submission:

Labcorp Genetics (formerly Invitae), Labcorp
Classification: Uncertain significance for Immunodeficiency 37. Last evaluated: 2020-03-08. Review status: criteria provided, single submitter. Criteria: Invitae Variant Classification Sherloc (09022015). Collection method: clinical testing. Allele origin: germline.
Comment: This sequence change replaces alanine with threonine at codon 20 of the BCL10 protein (p.Ala20Thr). The alanine residue is highly conserved and there is a small physicochemical difference between alanine and threonine. This variant is not present in population databases (ExAC no frequency). This variant has not been reported in the literature in individuals with BCL10-related conditions. Algorithms developed to predict the effect of missense changes on protein structure and function are either unavailable or do not agree on the potential impact of this missense change (SIFT: "Deleterious"; PolyPhen-2: "Possibly Damaging"; Align-GVGD: "Class C0"). In summary, the available evidence is currently insufficient to determine the role of this variant in disease. Therefore, it has been classified as a Variant of Uncertain Significance.